The following is an entry in ClinVar:

ClinVar aggregate classification (germline): Likely benign (1 of 4 stars; one submission).

Allele frequency attached by ClinVar (database versions not stated): 1000 Genomes Project 30x 0.00109; 1000 Genomes Project 0.00120; ExAC 0.00349; gnomAD 0.00357; ESP Exome Variant Server 0.00416.
gnomAD v4.1: 7,342 of 1,613,720 alleles (0.45%); highest among the groups gnomAD compares: Non-Finnish European, 0.54%; 32 homozygotes.

Submission:

CeGaT Center for Human Genetics Tuebingen
Classification: Likely benign. Last evaluated: 2023-03-01. Review status: criteria provided, single submitter. Criteria: CeGaT Center For Human Genetics Tuebingen Variant Classification Criteria Version 2. Collection method: clinical testing. Allele origin: germline. Affected: yes. Observed: 1 variant allele.
Comment: EPHA10: BS2

NM_001099439.2(EPHA10):c.1853G>A (p.Arg618His)

Gene: EPHA10 (EPH receptor A10; minus strand). Cytogenetic location: 1p34.3.
Variant type: single nucleotide variant.
Coding change: c.1853G>A on transcript NM_001099439.2 (MANE Select); coding-DNA position 1853, G replaced by A.
Protein change: p.Arg618His; replaces arginine 618 with histidine.
Molecular consequence: missense variant.
Genome position (GRCh38, 1-based): chr1:37,723,148, C>T on the plus strand (G>A on the coding strand, the complement: EPHA10 is on the minus strand). VCF-style: chr1-37723148-C-T. GRCh37 (hg19) VCF-style: chr1-38188820-C-T.
Other names: short protein forms R618H.
Identifiers: ClinVar variation 2638679 (VCV002638679.24), dbSNP rs185125532, ClinGen allele CA773822.
Genomic context (GRCh38, chr1:37,723,148, plus strand): 5'-TTGGCGAACAGATGCACAGCCTGCAGCAGGTCCCCACAGCTCTGGGGGTCCAGGAATGTG[C>T]GACGTGTTGGGACTTTGACTGGGAGAGAAAGAGATGAGCCTGAGGAATGGGGCCTCCACC-3'
Protein context (NP_001092909.1, residues 608-628): LYFHFKVPTR[Arg618His]TFLDPQSCGD